The following is an entry in ClinVar:

ClinVar aggregate classification (germline): Uncertain significance. Review status: criteria provided, multiple submitters, no conflicts (2 of 4 stars). 2 submissions from 2 submitters: Uncertain significance (2). Last evaluated 2023-05-31.

Conditions:
Hereditary cancer-predisposing syndrome. Also called: Tumor predisposition; Hereditary neoplastic syndrome; Hereditary Cancer Syndrome; Neoplastic Syndromes, Hereditary. Identifiers: Orphanet 140162, MedGen C0027672, MeSH D009386, MONDO:0015356.
Gorlin syndrome. Also called: Basal cell nevus syndrome; Nevoid Basal Cell Carcinoma Syndrome. Identifiers: Orphanet 377, MedGen C0004779, MONDO:0007187.

Submissions (2):

Ambry Genetics
Classification: Uncertain significance for Hereditary cancer-predisposing syndrome. Last evaluated: 2023-05-31. Review status: criteria provided, single submitter. Criteria: Ambry Variant Classification Scheme 2023. Collection method: clinical testing. Allele origin: germline.
Comment: The p.G290S variant (also known as c.868G>A), located in coding exon 6 of the PTCH1 gene, results from a G to A substitution at nucleotide position 868. The glycine at codon 290 is replaced by serine, an amino acid with similar properties. This amino acid position is highly conserved in available vertebrate species. In addition, this alteration is predicted to be deleterious by in silico analysis. Since supporting evidence is limited at this time, the clinical significance of this alteration remains unclear.

Labcorp Genetics (formerly Invitae), Labcorp
Classification: Uncertain significance for Gorlin syndrome. Last evaluated: 2021-02-22. Review status: criteria provided, single submitter. Criteria: Invitae Variant Classification Sherloc (09022015). Collection method: clinical testing. Allele origin: germline.
Comment: Advanced modeling of protein sequence and biophysical properties (such as structural, functional, and spatial information, amino acid conservation, physicochemical variation, residue mobility, and thermodynamic stability) performed at Invitae indicates that this missense variant is not expected to disrupt PTCH1 protein function. This variant has not been reported in the literature in individuals with PTCH1-related conditions. In summary, the available evidence is currently insufficient to determine the role of this variant in disease. Therefore, it has been classified as a Variant of Uncertain Significance. This sequence change replaces glycine with serine at codon 290 of the PTCH1 protein (p.Gly290Ser). The glycine residue is highly conserved and there is a small physicochemical difference between glycine and serine. This variant is not present in population databases (ExAC no frequency).

NM_000264.5(PTCH1):c.868G>A (p.Gly290Ser)

Gene: PTCH1 (patched 1; minus strand). Cytogenetic location: 9q22.32.
Variant type: single nucleotide variant.
Coding change: c.868G>A on transcript NM_000264.5 (MANE Select); coding-DNA position 868, G replaced by A.
Protein change: p.Gly290Ser; replaces glycine 290 with serine.
Molecular consequence: missense variant. On other transcripts: non-coding transcript variant (1).
Genome position (GRCh38, 1-based): chr9:95,480,467, C>T on the plus strand (G>A on the coding strand, the complement: PTCH1 is on the minus strand). VCF-style: chr9-95480467-C-T. GRCh37 (hg19) VCF-style: chr9-98242749-C-T.
Other names: c.670G>A, p.Gly224Ser (NM_001083602.3); c.865G>A, p.Gly289Ser (NM_001083603.3); c.415G>A, p.Gly139Ser (NM_001083604.3, NM_001083605.3, NM_001083606.3 and 1 more transcripts); c.868G>A, p.Gly290Ser (NM_001354918.2); short protein forms G139S, G224S, G290S, G289S.
Identifiers: ClinVar variation 1450796 (VCV001450796.11), dbSNP rs2118418275, ClinGen allele CA374113952.